The following is an entry in ClinVar:

NM_004168.4(SDHA):c.272C>T (p.Thr91Ile)

Gene: SDHA (succinate dehydrogenase complex flavoprotein subunit A; plus strand). Cytogenetic location: 5p15.33.
Variant type: single nucleotide variant.
Coding change: c.272C>T on transcript NM_004168.4 (MANE Select); coding-DNA position 272, C replaced by T.
Protein change: p.Thr91Ile; replaces threonine 91 with isoleucine.
Molecular consequence: missense variant.
Genome position (GRCh38, 1-based): chr5:224,481, C>T. VCF-style: chr5-224481-C-T. GRCh37 (hg19) VCF-style: chr5-224596-C-T.
Other names: c.272C>T, p.Thr91Ile (NM_001294332.2, NM_001330758.2); c.272C>T (NM_004168.2); short protein forms T91I.
Identifiers: ClinVar variation 2201396 (VCV002201396.6), dbSNP rs2477286949, ClinGen allele CA359008617.

ClinVar aggregate classification (germline): Uncertain significance. Review status: criteria provided, multiple submitters, no conflicts (2 of 4 stars). 3 submissions from 3 submitters: Uncertain significance (3). Last evaluated 2024-09-04.

Conditions:
Dilated cardiomyopathy 1GG (CMD1GG). Identifiers: Orphanet 154, MedGen C3150898, MONDO:0013339, OMIM 613642.
Hereditary cancer-predisposing syndrome. Also called: Hereditary Cancer Syndrome; Neoplastic Syndromes, Hereditary; Tumor predisposition; Hereditary neoplastic syndrome. Identifiers: Orphanet 140162, MedGen C0027672, MeSH D009386, MONDO:0015356.
Mitochondrial complex II deficiency, nuclear type 1. Also called: SUCCINATE CoQ REDUCTASE DEFICIENCY. Identifiers: Orphanet 3208, MedGen C5700310, MONDO:0100294, OMIM 252011.
Pheochromocytoma/paraganglioma syndrome 5. Also called: Paragangliomas 5; SDHA-Related Hereditary Paraganglioma-Pheochromocytoma Syndrome. Identifiers: Orphanet 29072, MedGen C3279992, MONDO:0013602, OMIM 614165.

Submissions (3):

Ambry Genetics
Classification: Uncertain significance for Hereditary cancer-predisposing syndrome. Last evaluated: 2024-09-04. Review status: criteria provided, single submitter. Criteria: Ambry Variant Classification Scheme 2023. Collection method: clinical testing. Allele origin: germline.
Comment: The p.T91I variant (also known as c.272C>T), located in coding exon 3 of the SDHA gene, results from a C to T substitution at nucleotide position 272. The threonine at codon 91 is replaced by isoleucine, an amino acid with similar properties. This amino acid position is well conserved in available vertebrate species. In addition, this alteration is predicted to be deleterious by in silico analysis. Based on the available evidence, the clinical significance of this variant remains unclear.

Labcorp Genetics (formerly Invitae), Labcorp
Classification: Uncertain significance for Pheochromocytoma/paraganglioma syndrome 5; Mitochondrial complex II deficiency, nuclear type 1. Last evaluated: 2024-07-21. Review status: criteria provided, single submitter. Criteria: Invitae Variant Classification Sherloc (09022015). Collection method: clinical testing. Allele origin: germline.
Comment: This sequence change replaces threonine, which is neutral and polar, with isoleucine, which is neutral and non-polar, at codon 91 of the SDHA protein (p.Thr91Ile). This variant is not present in population databases (gnomAD no frequency). This variant has not been reported in the literature in individuals affected with SDHA-related conditions. ClinVar contains an entry for this variant (Variation ID: 2201396). Advanced modeling of protein sequence and biophysical properties (such as structural, functional, and spatial information, amino acid conservation, physicochemical variation, residue mobility, and thermodynamic stability) has been performed at Invitae for this missense variant, however the output from this modeling did not meet the statistical confidence thresholds required to predict the impact of this variant on SDHA protein function. In summary, the available evidence is currently insufficient to determine the role of this variant in disease. Therefore, it has been classified as a Variant of Uncertain Significance.

Baylor Genetics
Classification: Uncertain significance for Dilated cardiomyopathy 1GG. Last evaluated: 2023-08-20. Review status: criteria provided, single submitter. Criteria: ACMG Guidelines, 2015. Collection method: clinical testing. Allele origin: unknown.